The following is an entry in ClinVar:

ClinVar aggregate classification (germline): Benign (1 of 4 stars; one submission).

Conditions:
Cleidocranial dysostosis (CLCD1). Also called: cleidocranial dysplasia 1; Marie-Sainton disease; Cleidocranial Dysplasia Spectrum Disorder. Identifiers: Orphanet 1452, MedGen C0008928, MONDO:0007340, OMIM 119600.

Allele frequency attached by ClinVar (database versions not stated): gnomAD 0.00001 and 0.00003; TOPMed 0.00002; gnomAD exomes 0.00004; 1000 Genomes Project 30x 0.00047; 1000 Genomes Project 0.00060.
gnomAD v4.1: 15 of 411,784 alleles (0.0036%); highest among the groups gnomAD compares: East Asian, 0.077%; no homozygotes.

Submission:

Illumina Laboratory Services, Illumina
Classification: Benign for Cleidocranial dysostosis. Last evaluated: 2018-01-13. Review status: criteria provided, single submitter. Criteria: ICSL Variant Classification Criteria 13 December 2019. Collection method: clinical testing. Allele origin: germline.
Comment: This variant was observed in the ICSL laboratory as part of a predisposition screen in an ostensibly healthy population. It had not been previously curated by ICSL or reported in the Human Gene Mutation Database (HGMD: prior to June 1st, 2018), and was therefore a candidate for classification through an automated scoring system. Utilizing variant allele frequency, disease prevalence and penetrance estimates, and inheritance mode, an automated score was calculated to assess if this variant is too frequent to cause the disease. Based on the score and internal cut-off values, a variant classified as benign is not then subjected to further curation. The score for this variant resulted in a classification of benign for this disease.

NM_001024630.4(RUNX2):c.*304G>A

Gene: RUNX2 (RUNX family transcription factor 2; plus strand). Cytogenetic location: 6p21.1.
Variant type: single nucleotide variant.
Coding change: c.*304G>A on transcript NM_001024630.4 (MANE Select); 304 bases downstream of the stop codon, G replaced by A.
Molecular consequence: 3 prime UTR variant.
Genome position (GRCh38, 1-based): chr6:45,547,609, G>A. VCF-style: chr6-45547609-G-A. GRCh37 (hg19) VCF-style: chr6-45515346-G-A.
Other names: c.*304G>A (NM_001015051.4, NM_001278478.2, NM_001369405.1).
Identifiers: ClinVar variation 357099 (VCV000357099.5), dbSNP rs146801654, ClinGen allele CA10624159.